The following is an entry in ClinVar:

ClinVar aggregate classification (germline): Conflicting classifications of pathogenicity. Review status: criteria provided, conflicting classifications (1 of 4 stars). 2 submissions from 2 submitters: Uncertain significance (1); Likely benign (1). Last evaluated 2024-11-11.

Allele frequency attached by ClinVar (database versions not stated): ExAC 0.00006; ESP Exome Variant Server 0.00008; gnomAD 0.00009; TOPMed 0.00012.
gnomAD v4.1: 45 of 1,614,028 alleles (0.0028%); highest among the groups gnomAD compares: African/African-American, 0.017%; no homozygotes.

Submissions (2):

Labcorp Genetics (formerly Invitae), Labcorp
Classification: Uncertain significance. Last evaluated: 2024-11-11. Review status: criteria provided, single submitter. Criteria: Invitae Variant Classification Sherloc (09022015). Collection method: clinical testing. Allele origin: germline.
Comment: This sequence change replaces aspartic acid, which is acidic and polar, with asparagine, which is neutral and polar, at codon 283 of the ADGRE2 protein (p.Asp283Asn). This variant is present in population databases (rs139418141, gnomAD 0.03%). This variant has not been reported in the literature in individuals affected with ADGRE2-related conditions. ClinVar contains an entry for this variant (Variation ID: 2201732). An algorithm developed to predict the effect of missense changes on protein structure and function outputs the following: PolyPhen-2: "Benign". The asparagine amino acid residue is found in multiple mammalian species, which suggests that this missense change does not adversely affect protein function. In summary, the available evidence is currently insufficient to determine the role of this variant in disease. Therefore, it has been classified as a Variant of Uncertain Significance.

Ambry Genetics
Classification: Likely benign. Last evaluated: 2024-09-03. Review status: criteria provided, single submitter. Criteria: Ambry Variant Classification Scheme 2023. Collection method: clinical testing. Allele origin: germline.

NM_013447.4(ADGRE2):c.847G>A (p.Asp283Asn)

Gene: ADGRE2 (adhesion G protein-coupled receptor E2; minus strand). Cytogenetic location: 19p13.12.
Variant type: single nucleotide variant.
Coding change: c.847G>A on transcript NM_013447.4 (MANE Select); coding-DNA position 847, G replaced by A.
Protein change: p.Asp283Asn; replaces aspartic acid 283 with asparagine.
Molecular consequence: missense variant.
Genome position (GRCh38, 1-based): chr19:14,765,379, C>T on the plus strand (G>A on the coding strand, the complement: ADGRE2 is on the minus strand). VCF-style: chr19-14765379-C-T. GRCh37 (hg19) VCF-style: chr19-14876191-C-T.
Other names: c.847G>A, p.Asp283Asn (NM_001271052.1); c.700G>A, p.Asp234Asn (NM_152916.2); c.568G>A, p.Asp190Asn (NM_152917.2); c.847G>A (NM_013447.2); short protein forms D190N, D283N, D234N.
Identifiers: ClinVar variation 2201732 (VCV002201732.5), dbSNP rs139418141, ClinGen allele CA9257873.
Genomic context (GRCh38, chr19:14,765,379, plus strand): 5'-CCTGGATGGTGTTATTGGCCAAGCCTGGCTTGTAGTCTCTGCCCAGGTCCTGGACTTTGT[C>T]GAAGAATCGGGAAAGCGTCTGCAGAGAGAGGAGATGTGGGGGTCAGAGAGCCTGGACGGC-3'
Protein context (NP_038475.2, residues 273-293): VHSQTLSRFF[Asp283Asn]KVQDLGRDYK